The following is an entry in ClinVar:

ClinVar aggregate classification (germline): Uncertain significance (1 of 4 stars; one submission).

Conditions:
Fanconi anemia (FA). Also called: Fanconi's anemia. Identifiers: Orphanet 84, MedGen C0015625, MeSH D005199, MONDO:0019391.

Allele frequency attached by ClinVar (database versions not stated): TOPMed below 0.00001.
gnomAD v4.1: 4 of 1,614,070 alleles (0.00025%); highest among the groups gnomAD compares: Non-Finnish European, 0.00017%; no homozygotes.

Submission:

Labcorp Genetics (formerly Invitae), Labcorp
Classification: Uncertain significance for Fanconi anemia. Last evaluated: 2023-04-22. Review status: criteria provided, single submitter. Criteria: Invitae Variant Classification Sherloc (09022015). Collection method: clinical testing. Allele origin: germline.
Comment: In summary, the available evidence is currently insufficient to determine the role of this variant in disease. Therefore, it has been classified as a Variant of Uncertain Significance. An algorithm developed to predict the effect of missense changes on protein structure and function (PolyPhen-2) suggests that this variant¬† is likely to be tolerated. This variant has not been reported in the literature in individuals affected with SLX4-related conditions. This variant is not present in population databases (gnomAD no frequency). This sequence change replaces glutamic acid, which is acidic and polar, with aspartic acid, which is acidic and polar, at codon 1543 of the SLX4 protein (p.Glu1543Asp).

NM_032444.4(SLX4):c.4629G>C (p.Glu1543Asp)

Gene: SLX4 (SLX4 structure-specific endonuclease subunit; minus strand). Cytogenetic location: 16p13.3.
Variant type: single nucleotide variant.
Coding change: c.4629G>C on transcript NM_032444.4 (MANE Select); coding-DNA position 4629, G replaced by C.
Protein change: p.Glu1543Asp; replaces glutamic acid 1543 with aspartic acid.
Molecular consequence: missense variant.
Genome position (GRCh38, 1-based): chr16:3,589,009, C>G on the plus strand (G>C on the coding strand, the complement: SLX4 is on the minus strand). VCF-style: chr16-3589009-C-G. GRCh37 (hg19) VCF-style: chr16-3639010-C-G.
Other names: short protein forms E1543D.
Identifiers: ClinVar variation 2911971 (VCV002911971.1), dbSNP rs1406412705, ClinGen allele CA394516745.